The following is an entry in ClinVar:

ClinVar aggregate classification (germline): Uncertain significance. Review status: criteria provided, multiple submitters, no conflicts (2 of 4 stars). 2 submissions from 2 submitters: Uncertain significance (2). Last evaluated 2025-10-29.

Conditions:
Hereditary cancer-predisposing syndrome. Also called: Hereditary neoplastic syndrome; Neoplastic Syndromes, Hereditary; Hereditary Cancer Syndrome; Tumor predisposition. Identifiers: Orphanet 140162, MedGen C0027672, MeSH D009386, MONDO:0015356.
EGFR-related lung cancer (EGFR). Identifiers: MedGen CN130014.

Submissions (2):

Ambry Genetics
Classification: Uncertain significance for Hereditary cancer-predisposing syndrome. Last evaluated: 2025-10-29. Review status: criteria provided, single submitter. Criteria: Ambry Variant Classification Scheme 2023. Collection method: clinical testing. Allele origin: germline.
Comment: The c.3015_3017delAGA variant (also known as p.E1005del) is located in coding exon 25 of the EGFR gene. This variant results from an in-frame AGA deletion at nucleotide positions 3015 to 3017. This results in the in-frame deletion of a glutamic acid at codon 1005. This amino acid position is highly conserved in available vertebrate species. In addition, this variant is predicted to be deleterious by in silico analysis (Choi Y et al. PLoS ONE. 2012; 7(10):e46688). Based on the available evidence, the clinical significance of this variant remains unclear.

Labcorp Genetics (formerly Invitae), Labcorp
Classification: Uncertain significance for EGFR-related lung cancer. Last evaluated: 2025-03-17. Review status: criteria provided, single submitter. Criteria: Invitae Variant Classification Sherloc (09022015). Collection method: clinical testing. Allele origin: germline.
Comment: This variant, c.3015_3017del, results in the deletion of 1 amino acid(s) of the EGFR protein (p.Glu1005del), but otherwise preserves the integrity of the reading frame. This variant is present in population databases (rs760292181, gnomAD 0.006%). This variant has not been reported in the literature in individuals affected with EGFR-related conditions. Experimental studies and prediction algorithms are not available or were not evaluated, and the functional significance of this variant is currently unknown. In summary, the available evidence is currently insufficient to determine the role of this variant in disease. Therefore, it has been classified as a Variant of Uncertain Significance.

NM_005228.5(EGFR):c.3012AGA[1] (p.Glu1005del)

Gene: EGFR (epidermal growth factor receptor; plus strand). Cytogenetic location: 7p11.2.
Variant type: Microsatellite.
Coding change: c.3012AGA[1] on transcript NM_005228.5 (MANE Select); one copy of the 3-base unit AGA starting at c.3012; the reference has two copies in a row; one copy, 3 bases deleted.
Protein change: p.Glu1005del; deletes glutamic acid 1005.
Molecular consequence: inframe indel (on NM_005228.3).
Genome position (GRCh38, 1-based): chr7:55,201,256-55,201,258, AGA deleted; deleting any 3 consecutive bases within chr7:55,201,251-55,201,258 gives the same sequence; the position shown is the placement nearest the transcript's 3' end. VCF-style (leftmost placement, unchanged base first): chr7-55201250-TGAA-T. GRCh37 (hg19) VCF-style: chr7-55268943-TGAA-T.
Other names: c.2877AGA[1], p.Glu960del (NM_001346897.2, NM_001346899.2); c.3012AGA[1], p.Glu1005del (NM_001346898.2); c.2853AGA[1], p.Glu952del (NM_001346900.2); c.2211AGA[1], p.Glu738del (NM_001346941.2); c.3012_3014AGA[1], p.Glu1005del (NM_005228.3); c.3015_3017delAGA (NM_005228.3); short protein forms E1005del, E738del, E952del, E960del.
Identifiers: ClinVar variation 3709128 (VCV003709128.3).